The following is an entry in ClinVar:

NM_001379286.1(ZNF423):c.2949C>T (p.Thr983=)

Gene: ZNF423 (zinc finger protein 423; minus strand). Cytogenetic location: 16q12.1.
Variant type: single nucleotide variant.
Coding change: c.2949C>T on transcript NM_001379286.1 (MANE Select); coding-DNA position 2949, C replaced by T.
Protein change: p.Thr983=; no amino-acid change (threonine 983 retained).
Molecular consequence: synonymous variant.
Genome position (GRCh38, 1-based): chr16:49,636,227, G>A on the plus strand (C>T on the coding strand, the complement: ZNF423 is on the minus strand). VCF-style: chr16-49636227-G-A. GRCh37 (hg19) VCF-style: chr16-49670138-G-A.
Other names: c.2925C>T (NM_015069.4); c.2745C>T, p.Thr915= (NM_001271620.2); c.2574C>T, p.Thr858= (NM_001330533.2); c.2925C>T, p.Thr975= (NM_015069.5).
Identifiers: ClinVar variation 784798 (VCV000784798.18), dbSNP rs748840936, ClinGen allele CA8046404.

ClinVar aggregate classification (germline): Likely benign. Review status: criteria provided, multiple submitters, no conflicts (2 of 4 stars). 4 submissions from 4 submitters: Likely benign (3). 1 of the submissions does not count toward it. Last evaluated 2025-09-01.

Conditions:
ZNF423-related disorder. Also called: ZNF423-related condition.
Nephronophthisis 14 (NPHP14). Identifiers: Orphanet 2318, MedGen C3539071, MONDO:0013916, OMIM 614844.

Allele frequency attached by ClinVar (database versions not stated): ExAC 0.00002; TOPMed 0.00004; gnomAD 0.00005; gnomAD exomes 0.00005 and 0.00010.
gnomAD v4.1: 145 of 1,612,936 alleles (0.009%); highest among the groups gnomAD compares: Non-Finnish European, 0.011%; no homozygotes.

Submissions (4):

CeGaT Center for Human Genetics Tuebingen
Classification: Likely benign. Last evaluated: 2025-09-01. Review status: criteria provided, single submitter. Criteria: CeGaT Center For Human Genetics Tuebingen Variant Classification Criteria Version 2. Collection method: clinical testing. Allele origin: germline. Affected: yes. Observed: 1 variant allele.
Comment: ZNF423: BP4, BP7

Labcorp Genetics (formerly Invitae), Labcorp
Classification: Likely benign for Nephronophthisis 14. Last evaluated: 2025-08-11. Review status: criteria provided, single submitter. Criteria: Invitae Variant Classification Sherloc (09022015). Collection method: clinical testing. Allele origin: germline.

Blueprint Genetics
Classification: Likely benign. Last evaluated: 2023-07-12. Review status: criteria provided, single submitter. Criteria: ACMG Guidelines, 2015. Collection method: clinical testing. Allele origin: germline.

PreventionGenetics, part of Exact Sciences
Classification: Likely benign for ZNF423-related condition. Last evaluated: 2023-05-16. Review status: no assertion criteria provided. Collection method: clinical testing. Allele origin: germline. Not counted in ClinVar's aggregate classification.
Comment: This variant is classified as likely benign based on ACMG/AMP sequence variant interpretation guidelines (Richards et al. 2015 PMID: 25741868, with internal and published modifications).